The following is an entry in ClinVar:

NM_001009944.3(PKD1):c.8471A>G (p.Gln2824Arg)

Gene: PKD1 (polycystin 1, transient receptor potential channel interacting; minus strand). Cytogenetic location: 16p13.3.
Variant type: single nucleotide variant.
Coding change: c.8471A>G on transcript NM_001009944.3 (MANE Select); coding-DNA position 8471, A replaced by G.
Protein change: p.Gln2824Arg; replaces glutamine 2824 with arginine.
Molecular consequence: missense variant.
Genome position (GRCh38, 1-based): chr16:2,103,586, T>C on the plus strand (A>G on the coding strand, the complement: PKD1 is on the minus strand). VCF-style: chr16-2103586-T-C. GRCh37 (hg19) VCF-style: chr16-2153587-T-C.
Other names: c.8471A>G, p.Gln2824Arg (NM_000296.4); short protein forms Q2824R.
Identifiers: ClinVar variation 1800459 (VCV001800459.25), dbSNP rs1567177613, ClinGen allele CA394363785.

ClinVar aggregate classification (germline): Uncertain significance. Review status: criteria provided, multiple submitters, no conflicts (2 of 4 stars). 3 submissions from 3 submitters: Uncertain significance (3). Last evaluated 2022-12-08.

Conditions:
Autosomal dominant polycystic kidney disease. Identifiers: Orphanet 730, MedGen C0085413, MONDO:0004691.
Polycystic kidney disease, adult type (PKD1). Also called: POLYCYSTIC KIDNEY DISEASE 1 WITH OR WITHOUT POLYCYSTIC LIVER DISEASE; Polycystic Kidney Disease 1, Autosomal Dominant; Polycystic kidney disease 1; Polycystic kidney disease 1, severe; POLYCYSTIC KIDNEY DISEASE, ADULT, TYPE I; Polycystic Kidney, Autosomal Dominant. Identifiers: MedGen C3149841, MONDO:0008263, OMIM 173900.

Submissions (3):

Blueprint Genetics
Classification: Uncertain significance. Last evaluated: 2022-12-08. Review status: criteria provided, single submitter. Criteria: ACMG Guidelines, 2015. Collection method: clinical testing. Allele origin: germline.

Molecular Genetics of Inherited Kidney Disorders Laboratory, Garvan Institute of Medical Research
Classification: Uncertain significance for Autosomal dominant polycystic kidney disease. Last evaluated: 2022-11-20. Review status: criteria provided, single submitter. Criteria: ACMG Guidelines, 2015. Collection method: research. Allele origin: maternal. Inheritance: Autosomal dominant inheritance. Affected: yes.
Comment: Variant absent in population databases.

Victorian Clinical Genetics Services, Murdoch Childrens Research Institute
Classification: Uncertain significance for Polycystic kidney disease, adult type. Last evaluated: 2021-05-06. Review status: criteria provided, single submitter. Criteria: ACMG Guidelines, 2015. Collection method: clinical testing. Allele origin: germline. Inheritance: Autosomal dominant inheritance. Affected: yes.
Comment: Based on the classification scheme VCGS_Germline_v1.3.4, this variant is classified as VUS-3A. Following criteria are met: 0102 - Loss of function is a known mechanism of disease in this gene and is associated with polycystic kidney disease 1 (MIM#173900). (I) 0107 - This gene is associated with autosomal dominant disease. Polycystic kidney disease 1 (MIM#173900) is predominantly caused by monoallelic variants, with rare reports of biallelic variants causing disease (OMIM). (I) 0200 - Variant is predicted to result in a missense amino acid change from glutamine to arginine. (I) 0251 - This variant is heterozygous. (I) 0301 - Variant is absent from gnomAD (both v2 and v3). (SP) 0502 - Missense variant with conflicting in silico predictions and uninformative conservation. (I) 0604 - Variant is not located in an established domain, motif, hotspot or informative constraint region. (I) 0704 - Other missense variants comparable to the one identified in this case have limited previous evidence for pathogenicity. The p.(Gln2824Pro) has been reported as likely neutral, but without supporting evidence (PMID: 31056860), and we have interpreted this with caution. In addition, the p.(Gln2824Lys) has been reported as likely pathogenic (PMID: 27499327). (SP) 0807 - This variant has no previous evidence of pathogenicity. (I) 0905 - No published segregation evidence has been identified for this variant. (I) 1007 - No published functional evidence has been identified for this variant. (I) Legend: (SP) - Supporting pathogenic, (I) - Information, (SB) - Supporting benign

Literature cited by the submitters: PubMed 37419908 (cited by Molecular Genetics of Inherited Kidney Disorders Laboratory, Garvan Institute of Medical Research); PubMed 27499327 (cited by Victorian Clinical Genetics Services, Murdoch Childrens Research Institute); PubMed 31056860 (cited by Victorian Clinical Genetics Services, Murdoch Childrens Research Institute).